The following is an entry in ClinVar:

NM_017950.4(CCDC40):c.3157del (p.Arg1053fs)

Gene: CCDC40 (coiled-coil domain 40 molecular ruler complex subunit; plus strand). Cytogenetic location: 17q25.3.
Variant type: Deletion.
Coding change: c.3157del on transcript NM_017950.4 (MANE Select); coding-DNA position 3157, one base deleted (C; older notation c.3157delC).
Protein change: p.Arg1053fs; shifts the reading frame from arginine 1053.
Molecular consequence: frameshift variant.
Genome position (GRCh38, 1-based): chr17:80,097,380, C deleted; the last of 3 consecutive C bases (chr17:80,097,378-80,097,380); deleting any one gives the same sequence. VCF-style (leftmost placement, unchanged base first): chr17-80097377-AC-A. GRCh37 (hg19) VCF-style: chr17-78071176-AC-A.
Other names: short protein forms R1053fs.
Identifiers: ClinVar variation 575559 (VCV000575559.11), dbSNP rs1567818236, ClinGen allele CA891843611.

ClinVar aggregate classification (germline): Pathogenic/Likely pathogenic. Review status: criteria provided, multiple submitters, no conflicts (2 of 4 stars). 2 submissions from 2 submitters: Pathogenic (1); Likely pathogenic (1). Last evaluated 2022-07-18.

Conditions:
Primary ciliary dyskinesia. Also called: Ciliary dyskinesia. Identifiers: Orphanet 244, MedGen C0008780, MONDO:0016575, HP:0012265.

Submissions (2):

Labcorp Genetics (formerly Invitae), Labcorp
Classification: Pathogenic for Primary ciliary dyskinesia. Last evaluated: 2022-07-18. Review status: criteria provided, single submitter. Criteria: Invitae Variant Classification Sherloc (09022015). Collection method: clinical testing. Allele origin: germline.
Comment: For these reasons, this variant has been classified as Pathogenic. This variant disrupts a region of the CCDC40 protein in which other variant(s) (p.Tyr1118*) have been determined to be pathogenic (Invitae). This suggests that this is a clinically significant region of the protein, and that variants that disrupt it are likely to be disease-causing. ClinVar contains an entry for this variant (Variation ID: 575559). This premature translational stop signal has been observed in individual(s) with clinical features of CCDC40-related conditions (Invitae). This variant is not present in population databases (gnomAD no frequency). This sequence change creates a premature translational stop signal (p.Arg1053Glyfs*26) in the CCDC40 gene. While this is not anticipated to result in nonsense mediated decay, it is expected to disrupt the last 90 amino acid(s) of the CCDC40 protein.

UNC Molecular Genetics  Laboratory, University of North Carolina at Chapel Hill
Classification: Likely pathogenic for Primary ciliary dyskinesia. Last evaluated: 2019-03-13. Review status: criteria provided, single submitter. Criteria: ACMG Guidelines, 2015. Collection method: clinical testing. Allele origin: germline. Affected: yes. Observed: 1 compound heterozygote.